The following is an entry in ClinVar:

NM_002907.4(RECQL):c.1327A>G (p.Met443Val)

Gene: RECQL (RecQ like helicase; minus strand). Cytogenetic location: 12p12.1.
Variant type: single nucleotide variant.
Coding change: c.1327A>G on transcript NM_002907.4 (MANE Select); coding-DNA position 1327, A replaced by G.
Protein change: p.Met443Val; replaces methionine 443 with valine.
Molecular consequence: missense variant.
Genome position (GRCh38, 1-based): chr12:21,474,869, T>C on the plus strand (A>G on the coding strand, the complement: RECQL is on the minus strand). VCF-style: chr12-21474869-T-C. GRCh37 (hg19) VCF-style: chr12-21627803-T-C.
Other names: c.1327A>G, p.Met443Val (NM_032941.3); short protein forms M443V.
Identifiers: ClinVar variation 1770026 (VCV001770026.2), dbSNP rs2540340444, ClinGen allele CA384118265.

ClinVar aggregate classification (germline): Uncertain significance (1 of 4 stars; one submission).

Allele frequency attached by ClinVar (database versions not stated): gnomAD exomes below 0.00001.
gnomAD v4.1: 1 of 1,613,112 alleles (0.000062%); highest among the groups gnomAD compares: African/African-American, 0.0013%; no homozygotes.

Submission:

Ambry Genetics
Classification: Uncertain significance. Last evaluated: 2022-07-26. Review status: criteria provided, single submitter. Criteria: Ambry Variant Classification Scheme 2023. Collection method: clinical testing. Allele origin: germline.
Comment: The p.M443V variant (also known as c.1327A>G), located in coding exon 10 of the RECQL gene, results from an A to G substitution at nucleotide position 1327. The methionine at codon 443 is replaced by valine, an amino acid with highly similar properties. This amino acid position is conserved. In addition, the in silico prediction for this alteration is inconclusive. Since supporting evidence is limited at this time, the clinical significance of this alteration remains unclear.